The following is an entry in ClinVar:

NM_001148.6(ANK2):c.3392C>T (p.Pro1131Leu)

Gene: ANK2 (ankyrin 2; plus strand). Cytogenetic location: 4q26.
Variant type: single nucleotide variant.
Coding change: c.3392C>T on transcript NM_001148.6 (MANE Select); coding-DNA position 3392, C replaced by T.
Protein change: p.Pro1131Leu; replaces proline 1131 with leucine.
Molecular consequence: missense variant.
Genome position (GRCh38, 1-based): chr4:113,335,858, C>T. VCF-style: chr4-113335858-C-T. GRCh37 (hg19) VCF-style: chr4-114257014-C-T.
Other names: c.3365C>T, p.Pro1122Leu (NM_001127493.3); c.3404C>T, p.Pro1135Leu (NM_001354225.2); c.3293C>T, p.Pro1098Leu (NM_001354228.2, NM_001354258.2); c.3371C>T, p.Pro1124Leu (NM_001354230.2); c.3434C>T, p.Pro1145Leu (NM_001354231.2, NM_001354242.2); c.3428C>T, p.Pro1143Leu (NM_001354232.2); c.3389C>T, p.Pro1130Leu (NM_001354235.2, NM_001354246.2, NM_001354265.2); c.3290C>T, p.Pro1097Leu (NM_001354236.2); and 30 more; short protein forms P1056L, P1064L, P1079L, P1121L, P1131L, P1150L, P1031L, P1036L.
Identifiers: ClinVar variation 3294850 (VCV003294850.1).

ClinVar aggregate classification (germline): Uncertain significance (1 of 4 stars; one submission).

Conditions:
Cardiovascular phenotype. Identifiers: MedGen CN230736.

gnomAD v4.1: 1 of 1,614,034 alleles (0.000062%); highest among the groups gnomAD compares: South Asian, 0.0011%; no homozygotes.

Submission:

Ambry Genetics
Classification: Uncertain significance for Cardiovascular phenotype. Last evaluated: 2024-04-09. Review status: criteria provided, single submitter. Criteria: Ambry Variant Classification Scheme 2023. Collection method: clinical testing. Allele origin: germline.
Comment: The p.P1131L variant (also known as c.3392C>T), located in coding exon 30 of the ANK2 gene, results from a C to T substitution at nucleotide position 3392. The proline at codon 1131 is replaced by leucine, an amino acid with similar properties. This amino acid position is conserved. In addition, the in silico prediction for this alteration is inconclusive. Based on the available evidence, the clinical significance of this variant remains unclear.